The following is an entry in ClinVar:

NM_002485.5(NBN):c.1208T>G (p.Val403Gly)

Gene: NBN (nibrin; minus strand). Cytogenetic location: 8q21.3.
Variant type: single nucleotide variant.
Coding change: c.1208T>G on transcript NM_002485.5 (MANE Select); coding-DNA position 1208, T replaced by G.
Protein change: p.Val403Gly; replaces valine 403 with glycine.
Molecular consequence: missense variant.
Genome position (GRCh38, 1-based): chr8:89,955,472, A>C on the plus strand (T>G on the coding strand, the complement: NBN is on the minus strand). VCF-style: chr8-89955472-A-C. GRCh37 (hg19) VCF-style: chr8-90967700-A-C.
Other names: c.962T>G, p.Val321Gly (NM_001024688.3); short protein forms V321G, V403G.
Identifiers: ClinVar variation 1749366 (VCV001749366.2), dbSNP rs1554559273, ClinGen allele CA371656358.

ClinVar aggregate classification (germline): Uncertain significance (1 of 4 stars; one submission).

Conditions:
Hereditary cancer-predisposing syndrome. Also called: Hereditary Cancer Syndrome; Hereditary neoplastic syndrome; Neoplastic Syndromes, Hereditary; Tumor predisposition. Identifiers: Orphanet 140162, MedGen C0027672, MeSH D009386, MONDO:0015356.

Submission:

Ambry Genetics
Classification: Uncertain significance for Hereditary cancer-predisposing syndrome. Last evaluated: 2020-03-19. Review status: criteria provided, single submitter. Criteria: Ambry Variant Classification Scheme 2023. Collection method: clinical testing. Allele origin: germline.
Comment: The p.V403G variant (also known as c.1208T>G), located in coding exon 10 of the NBN gene, results from a T to G substitution at nucleotide position 1208. The valine at codon 403 is replaced by glycine, an amino acid with dissimilar properties. This amino acid position is poorly conserved in available vertebrate species. In addition, this alteration is predicted to be tolerated by in silico analysis. Since supporting evidence is limited at this time, the clinical significance of this alteration remains unclear.